The following is an entry in ClinVar:

NM_001059.3(TACR3):c.737+1G>A

Gene: TACR3 (tachykinin receptor 3; minus strand). Cytogenetic location: 4q24.
Variant type: single nucleotide variant.
Coding change: c.737+1G>A on transcript NM_001059.3 (MANE Select); the canonical splice donor site of the intron after coding-DNA position 737, G replaced by A.
Molecular consequence: splice donor variant.
Genome position (GRCh38, 1-based): chr4:103,658,214, C>T on the plus strand (G>A on the coding strand, the complement: TACR3 is on the minus strand). VCF-style: chr4-103658214-C-T. GRCh37 (hg19) VCF-style: chr4-104579371-C-T.
Identifiers: ClinVar variation 818214 (VCV000818214.6), dbSNP rs760022956, ClinGen allele CA3031073.

ClinVar aggregate classification (germline): Pathogenic/Likely pathogenic. Review status: criteria provided, multiple submitters, no conflicts (2 of 4 stars). 2 submissions from 2 submitters: Pathogenic (1); Likely pathogenic (1). Last evaluated 2023-10-24.

Conditions:
Hypogonadotropic hypogonadism 11 with or without anosmia (HH11). Also called: HYPOGONADOTROPIC HYPOGONADISM 11 WITHOUT ANOSMIA; TACR3-Related GnRH Deficiency. Identifiers: Orphanet 478, MedGen C3553844, MONDO:0013913, OMIM 614840.

Allele frequency attached by ClinVar (database versions not stated): gnomAD 0.00001; gnomAD exomes 0.00001 and 0.00004; TOPMed 0.00005; ExAC 0.00006.
gnomAD v4.1: 21 of 1,613,486 alleles (0.0013%); highest among the groups gnomAD compares: East Asian, 0.013%; no homozygotes.

Submissions (2):

Labcorp Genetics (formerly Invitae), Labcorp
Classification: Likely pathogenic. Last evaluated: 2023-10-24. Review status: criteria provided, single submitter. Criteria: Invitae Variant Classification Sherloc (09022015). Collection method: clinical testing. Allele origin: germline.
Comment: This sequence change affects a donor splice site in intron 2 of the TACR3 gene. It is expected to disrupt RNA splicing. Variants that disrupt the donor or acceptor splice site typically lead to a loss of protein function (PMID: 16199547), and loss-of-function variants in TACR3 are known to be pathogenic (PMID: 20194706, 20332248, 22031817). The frequency data for this variant in the population databases is considered unreliable, as metrics indicate poor data quality at this position in the gnomAD database. Disruption of this splice site has been observed in individual(s) with idiopathic hypogonadotropic hypogonadism (PMID: 20332248, 32763379). This variant is also known as 738G>A (T246T). ClinVar contains an entry for this variant (Variation ID: 818214). Algorithms developed to predict the effect of sequence changes on RNA splicing suggest that this variant may disrupt the consensus splice site. In summary, the currently available evidence indicates that the variant is pathogenic, but additional data are needed to prove that conclusively. Therefore, this variant has been classified as Likely Pathogenic.

Genetics Department, Polish Mother's Memorial Hospital Research Institute
Classification: Pathogenic for Hypogonadotropic hypogonadism 11 with or without anosmia. Last evaluated: 2020-03-08. Review status: criteria provided, single submitter. Criteria: ACMG Guidelines, 2015. Collection method: research. Allele origin: maternal. Affected: yes.

Literature cited by the submitters: PubMed 16199547 (cited by Labcorp Genetics (formerly Invitae), Labcorp); PubMed 20194706 (cited by Labcorp Genetics (formerly Invitae), Labcorp); PubMed 20332248 (cited by Labcorp Genetics (formerly Invitae), Labcorp); PubMed 22031817 (cited by Labcorp Genetics (formerly Invitae), Labcorp); PubMed 32763379 (cited by Labcorp Genetics (formerly Invitae), Labcorp).